The following is an entry in ClinVar:

ClinVar aggregate classification (germline): Conflicting classifications of pathogenicity. Review status: criteria provided, conflicting classifications (1 of 4 stars). 3 submissions from 3 submitters: Likely pathogenic (1); Uncertain significance (2). Last evaluated 2025-07-21.

Conditions:
Primary ciliary dyskinesia. Also called: Ciliary dyskinesia. Identifiers: Orphanet 244, MedGen C0008780, MONDO:0016575, HP:0012265.

gnomAD v4.1: 1 of 1,614,144 alleles (0.000062%); highest among the groups gnomAD compares: Middle Eastern, 0.017%; no homozygotes.

Submissions (3):

Women's Health and Genetics/Laboratory Corporation of America, LabCorp
Classification: Uncertain significance. Last evaluated: 2025-07-21. Review status: criteria provided, single submitter. Criteria: LabCorp Variant Classification Summary - May 2015. Collection method: clinical testing. Allele origin: germline.
Comment: Variant summary: DNAH5 c.5271G>T (p.Lys1757Asn) results in a non-conservative amino acid change in the encoded protein sequence. Algorithms developed to predict the effect of missense changes on protein structure and function are either unavailable or do not agree on the potential impact of this missense change. Several computational tools predict a significant impact on normal splicing: Three predict the variant abolishes a 5' splicing donor site. However, these predictions have yet to be confirmed by functional studies. The variant was absent in 251488 control chromosomes. The available data on variant occurrences in the general population are insufficient to allow any conclusion about variant significance. To our knowledge, no occurrence of c.5271G>T in individuals affected with Primary ciliary dyskinesia 3 and no experimental evidence demonstrating its impact on protein function have been reported. ClinVar contains an entry for this variant (Variation ID: 1481130). Based on the evidence outlined above, the variant was classified as uncertain significance.

Labcorp Genetics (formerly Invitae), Labcorp
Classification: Uncertain significance for Primary ciliary dyskinesia. Last evaluated: 2024-09-11. Review status: criteria provided, single submitter. Criteria: Invitae Variant Classification Sherloc (09022015). Collection method: clinical testing. Allele origin: germline.
Comment: This sequence change replaces lysine, which is basic and polar, with asparagine, which is neutral and polar, at codon 1757 of the DNAH5 protein (p.Lys1757Asn). This variant also falls at the last nucleotide of exon 32, which is part of the consensus splice site for this exon. This variant is not present in population databases (gnomAD no frequency). This missense change has been observed in individual(s) with clinical features of DNAH5-related conditions (internal data). ClinVar contains an entry for this variant (Variation ID: 1481130). An algorithm developed to predict the effect of missense changes on protein structure and function (PolyPhen-2) suggests that this variant is likely to be tolerated. Variants that disrupt the consensus splice site are a relatively common cause of aberrant splicing (PMID: 17576681, 9536098). Algorithms developed to predict the effect of sequence changes on RNA splicing suggest that this variant may disrupt the consensus splice site. In summary, the available evidence is currently insufficient to determine the role of this variant in disease. Therefore, it has been classified as a Variant of Uncertain Significance.

MVZ Dr. Eberhard & Partner Dortmund
Classification: Likely pathogenic. Last evaluated: 2022-01-13. Review status: criteria provided, single submitter. Criteria: ACMG Guidelines, 2015. Collection method: clinical testing. Allele origin: paternal, maternal. Affected: yes. Observed: 2 compound heterozygotes. Clinical features observed: Situs inversus totalis, Pneumonia. Segregation with disease observed.
Comment: This sequence change from G to T probably leads to a substitution of Lysine with Asparagine at position 1757 in the amino acid sequence but splicing programms also predict the donor site to disappear. Multiple computational programs suggest a deleterious effect for this variant. The variant has not been reported in literature, specific mutation databases or in controls in Exome Sequencing Project, 1000 Genomes Project and the Genome Aggregation Database.

Literature cited by the submitters: PubMed 17576681 (cited by Labcorp Genetics (formerly Invitae), Labcorp); PubMed 9536098 (cited by Labcorp Genetics (formerly Invitae), Labcorp).

NM_001369.3(DNAH5):c.5271G>T (p.Lys1757Asn)

Gene: DNAH5 (dynein axonemal heavy chain 5; minus strand). Cytogenetic location: 5p15.2.
Variant type: single nucleotide variant.
Coding change: c.5271G>T on transcript NM_001369.3 (MANE Select); coding-DNA position 5271, G replaced by T.
Protein change: p.Lys1757Asn; replaces lysine 1757 with asparagine.
Molecular consequence: missense variant.
Genome position (GRCh38, 1-based): chr5:13,844,837, C>A on the plus strand (G>T on the coding strand, the complement: DNAH5 is on the minus strand). VCF-style: chr5-13844837-C-A. GRCh37 (hg19) VCF-style: chr5-13844946-C-A.
Other names: short protein forms K1757N.
Identifiers: ClinVar variation 1481130 (VCV001481130.12), dbSNP rs1293906490, ClinGen allele CA359213492.